The following is an entry in ClinVar:

ClinVar aggregate classification (germline): Pathogenic/Likely pathogenic. Review status: criteria provided, multiple submitters, no conflicts (2 of 4 stars). 6 submissions from 6 submitters: Pathogenic (1); Likely pathogenic (4). 1 of the submissions does not count toward it. Last evaluated 2025-12-16.

Conditions:
Inborn genetic diseases. Identifiers: MedGen C0950123, MeSH D030342.
Cutis laxa. Identifiers: Orphanet 209, MedGen C0010495, MONDO:0016175, HP:0000973.
PYCR1-related de Barsy syndrome. Also called: CUTIS LAXA, AUTOSOMAL RECESSIVE, TYPE IIIB; DE BARSY SYNDROME B. Identifiers: Orphanet 293633, Orphanet 2962, MedGen C3280799, MONDO:0013755, OMIM 614438.

Allele frequency attached by ClinVar (database versions not stated): gnomAD exomes 0.00001 and 0.00002; ExAC 0.00002; gnomAD 0.00005 and 0.00006; TOPMed 0.00006.
gnomAD v4.1: 33 of 1,612,666 alleles (0.002%); highest among the groups gnomAD compares: African/African-American, 0.019%; no homozygotes.

Submissions (6):

Labcorp Genetics (formerly Invitae), Labcorp
Classification: Pathogenic. Last evaluated: 2025-12-16. Review status: criteria provided, single submitter. Criteria: Invitae Variant Classification Sherloc (09022015). Collection method: clinical testing. Allele origin: germline.
Comment: This sequence change replaces arginine, which is basic and polar, with histidine, which is basic and polar, at codon 251 of the PYCR1 protein (p.Arg251His). This variant is present in population databases (rs121918378, gnomAD 0.02%). This missense change has been observed in individual(s) with clinical features of cutis laxa (PMID: 19648921, 24035636; internal data). In at least one individual the data is consistent with being in trans (on the opposite chromosome) from a pathogenic variant. ClinVar contains an entry for this variant (Variation ID: 13198). Invitae Evidence Modeling of protein sequence and biophysical properties (such as structural, functional, and spatial information, amino acid conservation, physicochemical variation, residue mobility, and thermodynamic stability) indicates that this missense variant is expected to disrupt PYCR1 protein function with a positive predictive value of 80%. Studies have shown that this missense change alters PYCR1 gene expression (PMID: 19648921). This variant disrupts the p.Arg251 amino acid residue in PYCR1. Other variant(s) that disrupt this residue have been observed in individuals with PYCR1-related conditions (PMID: 30138938), which suggests that this may be a clinically significant amino acid residue. For these reasons, this variant has been classified as Pathogenic.

Dasa
Classification: Likely pathogenic. Last evaluated: 2025-11-01. Review status: criteria provided, single submitter. Criteria: DASA Assertion Criteria. Collection method: clinical testing. Allele origin: germline.
Comment: NM_006907.4(PYCR1):c.752G>A (p.Arg251His) is a missense variant that results in the substitution of arginine with histidine. The affected residue or protein region has prior evidence supporting clinical relevance. This variant has been recurrently observed in individuals with PYCR1-related disorders (PMID: 19648921; PMID: 24035636). Also, this variant is rare in population databases. Computational evidence supports a deleterious effect. Based on the currently available evidence, this variant is classified as likely pathogenic.

GeneDx
Classification: Likely pathogenic. Last evaluated: 2025-03-07. Review status: criteria provided, single submitter. Criteria: GeneDx Variant Classification Process June 2021. Collection method: clinical testing. Allele origin: germline. Affected: yes.
Comment: Not observed at significant frequency in large population cohorts (gnomAD); Immunoblot analysis on skin fibroblasts from the homozygous proband showed a substantial reduction of PYCR1 expression (PMID: 19648921); In silico analysis supports that this missense variant has a deleterious effect on protein structure/function; This variant is associated with the following publications: (PMID: 19648921, 24035636, 16730026, 31589614)

Women's Health and Genetics/Laboratory Corporation of America, LabCorp
Classification: Likely pathogenic for Cutis laxa. Last evaluated: 2024-12-04. Review status: criteria provided, single submitter. Criteria: LabCorp Variant Classification Summary - May 2015. Collection method: clinical testing. Allele origin: germline.
Comment: Variant summary: PYCR1 c.752G>A (p.Arg251His) results in a non-conservative amino acid change located in the Pyrroline-5-carboxylate reductase, dimerisation domain (IPR029036) of the encoded protein sequence. Five of five in-silico tools predict a damaging effect of the variant on protein function. The variant allele was found at a frequency of 8.1e-06 in 247940 control chromosomes (gnomAD). c.752G>A has been reported in the literature as a biallelic homozygous or compound heterozygous genotype in at-least two individuals affected with features of Cutis Laxa - PYCR1 Related (examples: PMID: 24035636, 19648921). These data indicate that the variant may be associated with disease. To our knowledge, no quantifiable experimental evidence demonstrating an impact on protein function has been reported although one study resulted in a reduction in protein abundance relative to controls cells (example: PMID: 19648921). The following publications have been ascertained in the context of this evaluation (PMID: 24035636, 19648921). ClinVar contains an entry for this variant (Variation ID: 13198). Based on the evidence outlined above, the variant was classified as likely pathogenic.

Ambry Genetics
Classification: Likely pathogenic for Inborn genetic diseases. Last evaluated: 2021-06-18. Review status: criteria provided, single submitter. Criteria: Ambry Variant Classification Scheme 2023. Collection method: clinical testing. Allele origin: germline.
Comment: The c.752G>A (p.R251H) alteration is located in exon 6 (coding exon 6) of the PYCR1 gene. This alteration results from a G to A substitution at nucleotide position 752, causing the arginine (R) at amino acid position 251 to be replaced by a histidine (H). Based on data from the Genome Aggregation Database (gnomAD) database, the PYCR1 c.752G>A alteration was observed in <0.01% (3/279322) of total alleles studied, with a frequency of 0.01% (3/24596) in the African subpopulation. This alteration has been reported in the homozygous and compound heterozygous state with a second PYCR1 alteration in patients with clinical features of autosomal recessive cutis laxa (Reversade, 2009; Dimopoulou, 2013). This amino acid position is highly conserved in available vertebrate species. The p.R251 amino acid is located in the C-terminal dimerization domain, which is involved in dimer and active site formation (Nocek, 2005). The in silico prediction for the p.R251H alteration is inconclusive. Based on the available evidence, this alteration is classified as likely pathogenic.

OMIM
Classification: Pathogenic for CUTIS LAXA, AUTOSOMAL RECESSIVE, TYPE IIIB. Last evaluated: 2009-09-01. Review status: no assertion criteria provided. Collection method: literature only. Allele origin: germline. Not counted in ClinVar's aggregate classification.

Literature cited by the submitters: PubMed 19648921 (cited by 5 submitters); PubMed 24035636 (cited by 4 submitters); PubMed 30138938 (cited by Labcorp Genetics (formerly Invitae), Labcorp and Dasa); PubMed 16233902 (cited by Ambry Genetics).

NM_006907.4(PYCR1):c.752G>A (p.Arg251His)

Gene: PYCR1 (pyrroline-5-carboxylate reductase 1; minus strand). Cytogenetic location: 17q25.3.
Variant type: single nucleotide variant.
Coding change: c.752G>A on transcript NM_006907.4 (MANE Select); coding-DNA position 752, G replaced by A.
Protein change: p.Arg251His; replaces arginine 251 with histidine.
Molecular consequence: missense variant. On other transcripts: intron variant (1).
Genome position (GRCh38, 1-based): chr17:81,934,371, C>T on the plus strand (G>A on the coding strand, the complement: PYCR1 is on the minus strand). VCF-style: chr17-81934371-C-T. GRCh37 (hg19) VCF-style: chr17-79892247-C-T.
Other names: c.659G>A, p.Arg220His (NM_001282279.2); c.752G>A, p.Arg251His (NM_001282280.2, NM_153824.3); c.833G>A, p.Arg278His (NM_001282281.2); c.633+282G>A (NM_001330523.2); c.752G>A (NM_006907.3); short protein forms R251H, R220H, R278H.
Identifiers: ClinVar variation 13198 (VCV000013198.15), dbSNP rs121918378, ClinGen allele CA122958.
Genomic context (GRCh38, chr17:81,934,371, plus strand): 5'-AGCGCGGGGGCCCACCGTGTGCGGATGCAGGAGGCCTCCACAGCGTTGATGAGCAGGGAG[C>T]GGAAGCCCCCACTCTCCAGCACATGCAAGGCATGGATGGTGGCCCCACCAGGAGAGCTGA-3'
Protein context (NP_008838.2, residues 241-261): ALHVLESGGF[Arg251His]SLLINAVEAS